The following is an entry in ClinVar:

NM_002618.4(PEX13):c.1075A>T (p.Thr359Ser)

Gene: PEX13 (peroxisomal biogenesis factor 13; plus strand). Cytogenetic location: 2p15.
Variant type: single nucleotide variant.
Coding change: c.1075A>T on transcript NM_002618.4 (MANE Select); coding-DNA position 1075, A replaced by T.
Protein change: p.Thr359Ser; replaces threonine 359 with serine.
Molecular consequence: missense variant.
Genome position (GRCh38, 1-based): chr2:61,048,633, A>T. VCF-style: chr2-61048633-A-T. GRCh37 (hg19) VCF-style: chr2-61275768-A-T.
Other names: short protein forms T359S.
Identifiers: ClinVar variation 3034894 (VCV003034894.2), dbSNP rs369462002, ClinGen allele CA346949996.
Genomic context (GRCh38, chr2:61,048,633, plus strand): 5'-GGTAGGAAAACGGTGGAATCAAGTAAAGTTTCCAAGCAGCAACAATCTTTTACCAACCCA[A>T]CACTAACTAAAGGAGCCACGGTTGCTGATTCTTTGGATGAACAGGAAGCTGCCTTTGAAT-3'
Protein context (NP_002609.1, residues 349-369): SKQQQSFTNP[Thr359Ser]LTKGATVADS

ClinVar aggregate classification (germline): Uncertain significance (0 of 4 stars; one submission).

Conditions:
PEX13-related disorder. Also called: PEX13-related disorders; PEX13-related condition.

Submission:

PreventionGenetics, part of Exact Sciences
Classification: Uncertain significance for PEX13-related condition. Last evaluated: 2023-11-28. Review status: no assertion criteria provided. Collection method: clinical testing. Allele origin: germline.
Comment: The PEX13 c.1075A>T variant is predicted to result in the amino acid substitution p.Thr359Ser. To our knowledge, this variant has not been reported in the literature or in a large population database, indicating this variant is rare. At this time, the clinical significance of this variant is uncertain due to the absence of conclusive functional and genetic evidence.